The following is an entry in ClinVar:

NM_006950.3(SYN1):c.1577C>T (p.Thr526Ile)

Gene: SYN1 (synapsin I; minus strand). Cytogenetic location: Xp11.3.
Variant type: single nucleotide variant.
Coding change: c.1577C>T on transcript NM_006950.3 (MANE Select); coding-DNA position 1577, C replaced by T.
Protein change: p.Thr526Ile; replaces threonine 526 with isoleucine.
Molecular consequence: missense variant.
Genome position (GRCh38, 1-based): chrX:47,574,407, G>A on the plus strand (C>T on the coding strand, the complement: SYN1 is on the minus strand). VCF-style: chrX-47574407-G-A. GRCh37 (hg19) VCF-style: chrX-47433806-G-A.
Other names: c.1577C>T, p.Thr526Ile (NM_133499.2); short protein forms T526I.
Identifiers: ClinVar variation 1514317 (VCV001514317.10), dbSNP rs2147912281, ClinGen allele CA412823225.

ClinVar aggregate classification (germline): Uncertain significance. Review status: criteria provided, multiple submitters, no conflicts (2 of 4 stars). 2 submissions from 2 submitters: Uncertain significance (2). Last evaluated 2024-08-09.

Conditions:
Epilepsy, X-linked 1, with variable learning disabilities and behavior disorders. Also called: X-linked epilepsy-learning disabilities-behavior disorders syndrome. Identifiers: Orphanet 85294, MedGen C5774177, MONDO:0010339, OMIM 300491.

Submissions (2):

GeneDx
Classification: Uncertain significance. Last evaluated: 2024-08-09. Review status: criteria provided, single submitter. Criteria: GeneDx Variant Classification Process June 2021. Collection method: clinical testing. Allele origin: germline. Affected: yes.
Comment: Not observed at significant frequency in large population cohorts (gnomAD); In silico analysis indicates that this missense variant does not alter protein structure/function; Has not been previously published as pathogenic or benign to our knowledge

Labcorp Genetics (formerly Invitae), Labcorp
Classification: Uncertain significance for Epilepsy, X-linked 1, with variable learning disabilities and behavior disorders. Last evaluated: 2021-04-11. Review status: criteria provided, single submitter. Criteria: Invitae Variant Classification Sherloc (09022015). Collection method: clinical testing. Allele origin: germline.
Comment: In summary, the available evidence is currently insufficient to determine the role of this variant in disease. Therefore, it has been classified as a Variant of Uncertain Significance. Algorithms developed to predict the effect of missense changes on protein structure and function are either unavailable or do not agree on the potential impact of this missense change (SIFT: "Deleterious"; PolyPhen-2: "Not Available"; Align-GVGD: "Class C0"). This variant has not been reported in the literature in individuals with SYN1-related conditions. The frequency data for this variant in the population databases is considered unreliable, as metrics indicate insufficient coverage at this position in the ExAC database. This sequence change replaces threonine with isoleucine at codon 526 of the SYN1 protein (p.Thr526Ile). The threonine residue is moderately conserved and there is a moderate physicochemical difference between threonine and isoleucine.